The following is an entry in ClinVar:

ClinVar aggregate classification (germline): Benign/Likely benign. Review status: criteria provided, multiple submitters, no conflicts (2 of 4 stars). 4 submissions from 4 submitters: Benign (1); Likely benign (3). Last evaluated 2025-08-25.

Conditions:
Hereditary cancer-predisposing syndrome. Also called: Neoplastic Syndromes, Hereditary; Hereditary neoplastic syndrome; Tumor predisposition; Hereditary Cancer Syndrome. Identifiers: Orphanet 140162, MedGen C0027672, MeSH D009386, MONDO:0015356.
Familial cancer of breast. Also called: hereditary breast carcinoma; Hereditary breast cancer; BREAST CANCER, FAMILIAL. Identifiers: Orphanet 227535, MedGen C0346153, MONDO:0016419, OMIM 114480. Disease mechanism: loss of function.
Ataxia-telangiectasia syndrome (AT). Also called: Ataxia telangiectasia (A-T); Cerebello-oculocutaneous telangiectasia; Immunodeficiency with ataxia telangiectasia; LOUIS-BAR SYNDROME; AT, COMPLEMENTATION GROUP C; ATAXIA-TELANGIECTASIA, FRESNO VARIANT. Identifiers: Orphanet 100, MedGen C0004135, MONDO:0008840, OMIM 208900.

Allele frequency attached by ClinVar (database versions not stated): gnomAD exomes below 0.00001.
gnomAD v4.1: 2 of 1,601,492 alleles (0.00012%); highest among the groups gnomAD compares: South Asian, 0.0011%; no homozygotes.

Submissions (4):

Labcorp Genetics (formerly Invitae), Labcorp
Classification: Likely benign for Ataxia-telangiectasia syndrome. Last evaluated: 2025-08-25. Review status: criteria provided, single submitter. Criteria: Invitae Variant Classification Sherloc (09022015). Collection method: clinical testing. Allele origin: germline.

Myriad Genetics, Inc.
Classification: Benign for Familial cancer of breast. Last evaluated: 2024-06-07. Review status: criteria provided, single submitter. Criteria: Myriad Autosomal Dominant, Autosomal Recessive and X-Linked Classification Criteria (2023). Collection method: clinical testing. Allele origin: unknown.
Comment: This variant is considered benign. This variant is a silent/synonymous amino acid change and it is not expected to impact splicing.

Color Diagnostics, LLC DBA Color Health
Classification: Likely benign for Hereditary cancer-predisposing syndrome. Last evaluated: 2022-02-04. Review status: criteria provided, single submitter. Criteria: ACMG Guidelines, 2015. Collection method: clinical testing. Allele origin: germline.

Ambry Genetics
Classification: Likely benign for Hereditary cancer-predisposing syndrome. Last evaluated: 2015-09-10. Review status: criteria provided, single submitter. Criteria: Ambry Variant Classification Scheme 2023. Collection method: clinical testing. Allele origin: germline.

NM_000051.4(ATM):c.6612G>A (p.Lys2204=)

Genes: C11orf65 (chromosome 11 open reading frame 65; minus strand), ATM (ATM serine/threonine kinase; plus strand). Cytogenetic location: 11q22.3.
Variant type: single nucleotide variant.
Coding change: c.6612G>A on transcript NM_000051.4 (MANE Select); coding-DNA position 6612, G replaced by A.
Protein change: p.Lys2204=; no amino-acid change (lysine 2204 retained).
Molecular consequence: synonymous variant. On other transcripts: intron variant (2).
Genome position (GRCh38, 1-based): chr11:108,325,349, G>A. VCF-style: chr11-108325349-G-A. GRCh37 (hg19) VCF-style: chr11-108196076-G-A.
Other names: c.641-16278C>T (NM_001330368.2); c.*38+9871C>T (NM_001351110.2); c.6612G>A, p.Lys2204= (NM_001351834.2).
Identifiers: ClinVar variation 233805 (VCV000233805.16), dbSNP rs876660650, ClinGen allele CA10579226.
Genomic context (GRCh38, chr11:108,325,349, plus strand): 5'-ACTCTATGTCGTGGCATTCAGATCAGTCACACATAGACAACTCTCTGAAGTATATATTAA[G>A]TGGCAGAAACACTCCCAGCTTCTCAAGGACAGTGATTTTAGTTTTCAGGAGCCTATCATG-3'
Protein context (NP_000042.3, residues 2194-2214): THRQLSEVYI[Lys2204=]WQKHSQLLKD